The following is an entry in ClinVar:

NM_000435.3(NOTCH3):c.5716G>A (p.Gly1906Ser)

Gene: NOTCH3 (notch receptor 3; minus strand). Cytogenetic location: 19p13.12.
Variant type: single nucleotide variant.
Coding change: c.5716G>A on transcript NM_000435.3 (MANE Select); coding-DNA position 5716, G replaced by A.
Protein change: p.Gly1906Ser; replaces glycine 1906 with serine.
Molecular consequence: missense variant.
Genome position (GRCh38, 1-based): chr19:15,165,467, C>T on the plus strand (G>A on the coding strand, the complement: NOTCH3 is on the minus strand). VCF-style: chr19-15165467-C-T. GRCh37 (hg19) VCF-style: chr19-15276278-C-T.
Other names: short protein forms G1906S.
Identifiers: ClinVar variation 5002966 (VCV005002966.1).
Genomic context (GRCh38, chr19:15,165,467, plus strand): 5'-TGAGCTCTTCCACCATGCCCTCTACTGCCAGGCGGGCCGCCAGGATCAGTGCCGTTGAGC[C>T]ATCTGCCATGCGGGCATCCAAGTCTGTAGAGCGGTTTCGGATGAGAATCTAGGACAGAGA-3'
Protein context (NP_000426.2, residues 1896-1916): STDLDARMAD[Gly1906Ser]STALILAARL

ClinVar aggregate classification (germline): Uncertain significance (1 of 4 stars; one submission).

Conditions:
Myofibromatosis, infantile, 2. Identifiers: Orphanet 2591, MedGen C3809084, MONDO:0014122, OMIM 615293.

gnomAD v4.1: 6 of 1,613,092 alleles (0.00037%); highest among the groups gnomAD compares: Non-Finnish European, 0.00051%; no homozygotes.

Submission:

OLLIN Analises Genomicas, OLLIN
Classification: Uncertain significance for Myofibromatosis, infantile, 2. Last evaluated: 2026-08-06. Review status: criteria provided, single submitter. Criteria: ACMG Guidelines 2015 PMID 25741868. Collection method: clinical testing. Allele origin: germline. Inheritance: Autosomal dominant inheritance.
Comment: This missense variant, located in exon 31 (of 33), has been observed in gnomAD with an allele frequency of 0.00037%, but has not been reported in ClinVar or identified in the literature. In silico analysis is inconclusive regarding the impact of this variant. This gene is constrained for missense variation. According to the currently available evidence, this variant has been classified as uncertain significance (PM2_P, PP2).